The following is an entry in ClinVar:

ClinVar aggregate classification (germline): Uncertain significance (1 of 4 stars; one submission).

Conditions:
Familial adenomatous polyposis 1 (FAP1). Also called: POLYPOSIS, ADENOMATOUS INTESTINAL; FAMILIAL ADENOMATOUS POLYPOSIS 1, ATTENUATED. Identifiers: MedGen C2713442, MONDO:0021056, OMIM 175100. Disease mechanism: loss of function.

Submission:

Labcorp Genetics (formerly Invitae), Labcorp
Classification: Uncertain significance for Familial adenomatous polyposis 1. Last evaluated: 2024-03-19. Review status: criteria provided, single submitter. Criteria: Invitae Variant Classification Sherloc (09022015). Collection method: clinical testing. Allele origin: germline.
Comment: This variant, c.5526_5540del, results in the deletion of 5 amino acid(s) of the APC protein (p.His1844_Pro1848del), but otherwise preserves the integrity of the reading frame. This variant is not present in population databases (gnomAD no frequency). This variant has not been reported in the literature in individuals affected with APC-related conditions. Experimental studies and prediction algorithms are not available or were not evaluated, and the functional significance of this variant is currently unknown. In summary, the available evidence is currently insufficient to determine the role of this variant in disease. Therefore, it has been classified as a Variant of Uncertain Significance.

NM_000038.6(APC):c.5526_5540del (p.His1844_Pro1848del)

Gene: APC (APC regulator of Wnt signaling pathway; plus strand). Cytogenetic location: 5q22.2.
Variant type: Deletion.
Coding change: c.5526_5540del on transcript NM_000038.6 (MANE Select); coding-DNA positions 5526 to 5540, 15 bases deleted (ACCTCATCATTACAC).
Protein change: p.His1844_Pro1848del.
Molecular consequence: non-coding transcript variant (on NR_176365.1).
Genome position (GRCh38, 1-based): chr5:112,841,120-112,841,134, ACCTCATCATTACAC deleted; deleting any 15 consecutive bases within chr5:112,841,119-112,841,134 gives the same sequence; the c. name uses the placement nearest the transcript's 3' end. VCF-style (leftmost placement, unchanged base first): chr5-112841118-TCACCTCATCATTACA-T. GRCh37 (hg19) VCF-style: chr5-112176815-TCACCTCATCATTACA-T.
Other names: c.5526_5540del, p.His1844_Pro1848del (NM_001127510.3, NM_001354895.2, NM_001407450.1); c.5472_5486del, p.His1826_Pro1830del (NM_001127511.3); c.5580_5594del, p.His1862_Pro1866del (NM_001354896.2, NM_001407447.1, NM_001407448.1 and 1 more transcripts); c.5556_5570del, p.His1854_Pro1858del (NM_001354897.2); c.5451_5465del, p.His1819_Pro1823del (NM_001354898.2); c.5442_5456del, p.His1816_Pro1820del (NM_001354899.2); c.5403_5417del, p.His1803_Pro1807del (NM_001354900.2); c.5349_5363del, p.His1785_Pro1789del (NM_001354901.2, NM_001407453.1); and 11 more.
Identifiers: ClinVar variation 3672264 (VCV003672264.2).